The following is an entry in ClinVar:

NM_006384.4(CIB1):c.33G>C (p.Glu11Asp)

Genes: CIB1 (calcium and integrin binding 1; minus strand), LOC130057907 (ATAC-STARR-seq lymphoblastoid silent region 6817; plus strand). Cytogenetic location: 15q26.1.
Variant type: single nucleotide variant.
Coding change: c.33G>C on transcript NM_006384.4 (MANE Select); coding-DNA position 33, G replaced by C.
Protein change: p.Glu11Asp; replaces glutamic acid 11 with aspartic acid.
Molecular consequence: missense variant.
Genome position (GRCh38, 1-based): chr15:90,233,853, C>G on the plus strand (G>C on the coding strand, the complement: CIB1 is on the minus strand). VCF-style: chr15-90233853-C-G. GRCh37 (hg19) VCF-style: chr15-90777085-C-G.
Other names: c.33G>C, p.Glu11Asp (NM_001277764.2); short protein forms E11D.
Identifiers: ClinVar variation 1907341 (VCV001907341.2), dbSNP rs1413255880, ClinGen allele CA393817315.
Genomic context (GRCh38, chr15:90,233,853, plus strand): 5'-AGGCCCGCACGCGAGCTCCCCAGGGCCAGGCGTCCCGCGCACCTGGTACTCGGCCAGCAG[C>G]TCCTTGGACAGGCGACTGCCCGAGCCCCCCATCGCCCCGCCGCGCGCACAGCTCCGCCAA-3'
Protein context (NP_006375.2, residues 1-21): MGGSGSRLSK[Glu11Asp]LLAEYQDLTF

ClinVar aggregate classification (germline): Uncertain significance (1 of 4 stars; one submission).

Allele frequency attached by ClinVar (database versions not stated): gnomAD 0.00001; TOPMed 0.00001.
gnomAD v4.1: 4 of 1,526,202 alleles (0.00026%); highest among the groups gnomAD compares: Admixed American, 0.0062%; no homozygotes.

Submission:

Labcorp Genetics (formerly Invitae), Labcorp
Classification: Uncertain significance. Last evaluated: 2022-08-05. Review status: criteria provided, single submitter. Criteria: Invitae Variant Classification Sherloc (09022015). Collection method: clinical testing. Allele origin: germline.
Comment: This sequence change replaces glutamic acid, which is acidic and polar, with aspartic acid, which is acidic and polar, at codon 11 of the CIB1 protein (p.Glu11Asp). This variant is present in population databases (no rsID available, gnomAD 0.009%). This variant has not been reported in the literature in individuals affected with CIB1-related conditions. Algorithms developed to predict the effect of missense changes on protein structure and function output the following: SIFT: "Tolerated"; PolyPhen-2: "Not Available"; Align-GVGD: "Class C0". The aspartic acid amino acid residue is found in multiple mammalian species, which suggests that this missense change does not adversely affect protein function. In summary, the available evidence is currently insufficient to determine the role of this variant in disease. Therefore, it has been classified as a Variant of Uncertain Significance.